The following is an entry in ClinVar:

NM_000384.3(APOB):c.1355A>G (p.Tyr452Cys)

Gene: APOB (apolipoprotein B; minus strand). Cytogenetic location: 2p24.1.
Variant type: single nucleotide variant.
Coding change: c.1355A>G on transcript NM_000384.3 (MANE Select); coding-DNA position 1355, A replaced by G.
Protein change: p.Tyr452Cys; replaces tyrosine 452 with cysteine.
Molecular consequence: missense variant.
Genome position (GRCh38, 1-based): chr2:21,030,013, T>C on the plus strand (A>G on the coding strand, the complement: APOB is on the minus strand). VCF-style: chr2-21030013-T-C. GRCh37 (hg19) VCF-style: chr2-21252885-T-C.
Other names: short protein forms Y452C.
Identifiers: ClinVar variation 3231377 (VCV003231377.2), dbSNP rs1663836214, ClinGen allele CA346015460.

ClinVar aggregate classification (germline): Uncertain significance. Review status: criteria provided, multiple submitters, no conflicts (2 of 4 stars). 2 submissions from 2 submitters: Uncertain significance (2). Last evaluated 2025-06-04.

Conditions:
Cardiovascular phenotype. Identifiers: MedGen CN230736.

Allele frequency attached by ClinVar (database versions not stated): gnomAD exomes below 0.00001; TOPMed below 0.00001.
gnomAD v4.1: 1 of 1,593,180 alleles (0.000063%); no homozygotes.

Submissions (2):

GeneDx
Classification: Uncertain significance. Last evaluated: 2025-06-04. Review status: criteria provided, single submitter. Criteria: GeneDx Variant Classification Process June 2021. Collection method: clinical testing. Allele origin: germline. Affected: yes.
Comment: Not observed at significant frequency in large population cohorts (gnomAD); In silico analysis supports that this missense variant has a deleterious effect on protein structure/function; Has not been previously published as pathogenic or benign to our knowledge

Ambry Genetics
Classification: Uncertain significance for Cardiovascular phenotype. Last evaluated: 2023-09-23. Review status: criteria provided, single submitter. Criteria: Ambry Variant Classification Scheme 2023. Collection method: clinical testing. Allele origin: germline.
Comment: The p.Y452C variant (also known as c.1355A>G), located in coding exon 11 of the APOB gene, results from an A to G substitution at nucleotide position 1355. The tyrosine at codon 452 is replaced by cysteine, an amino acid with highly dissimilar properties. This amino acid position is conserved. In addition, the in silico prediction for this alteration is inconclusive. Since supporting evidence is limited at this time, the clinical significance of this alteration remains unclear.